The following is an entry in ClinVar:

ClinVar aggregate classification (germline): Uncertain significance (1 of 4 stars; one submission).

Submission:

Labcorp Genetics (formerly Invitae), Labcorp
Classification: Uncertain significance. Last evaluated: 2018-10-19. Review status: criteria provided, single submitter. Criteria: Invitae Variant Classification Sherloc (09022015). Collection method: clinical testing. Allele origin: germline.
Comment: This variant is not present in population databases (ExAC no frequency). In summary, the available evidence is currently insufficient to determine the role of this variant in disease. Therefore, it has been classified as a Variant of Uncertain Significance. Algorithms developed to predict the effect of missense changes on protein structure and function (SIFT, PolyPhen-2, Align-GVGD) all suggest that this variant is likely to be tolerated, but these predictions have not been confirmed by published functional studies and their clinical significance is uncertain. This variant has not been reported in the literature in individuals with POLE-related disease. This sequence change replaces threonine with alanine at codon 202 of the POLE protein (p.Thr202Ala). The threonine residue is weakly conserved and there is a small physicochemical difference between threonine and alanine.

NM_006231.4(POLE):c.604A>G (p.Thr202Ala)

Gene: POLE (DNA polymerase epsilon, catalytic subunit; minus strand). Cytogenetic location: 12q24.33.
Variant type: single nucleotide variant.
Coding change: c.604A>G on transcript NM_006231.4 (MANE Select); coding-DNA position 604, A replaced by G.
Protein change: p.Thr202Ala; replaces threonine 202 with alanine.
Molecular consequence: missense variant.
Genome position (GRCh38, 1-based): chr12:132,677,694, T>C on the plus strand (A>G on the coding strand, the complement: POLE is on the minus strand). VCF-style: chr12-132677694-T-C. GRCh37 (hg19) VCF-style: chr12-133254280-T-C.
Other names: short protein forms T202A.
Identifiers: ClinVar variation 647865 (VCV000647865.8), dbSNP rs1593082130, ClinGen allele CA387365401.
Genomic context (GRCh38, chr12:132,677,694, plus strand): 5'-GCATGTCCACAATGTTGTCCAACTGGTCAGCTATCTTCTTAGAGGTTTCCTCTTCATCAG[T>C]AATGACACCGCCCCTCTGCAGAACACTAGGAATTAACAAGAGAGCAACTAACTCAGCTGC-3'
Protein context (NP_006222.2, residues 192-212): SSVLQRGGVI[Thr202Ala]DEEETSKKIA